The following is an entry in ClinVar:

NM_201384.3(PLEC):c.7636C>A (p.Gln2546Lys)

Gene: PLEC (plectin; minus strand). Cytogenetic location: 8q24.3.
Variant type: single nucleotide variant.
Coding change: c.7636C>A on transcript NM_201384.3 (MANE Select); coding-DNA position 7636, C replaced by A.
Protein change: p.Gln2546Lys; replaces glutamine 2546 with lysine.
Molecular consequence: missense variant.
Genome position (GRCh38, 1-based): chr8:143,922,185, G>T on the plus strand (C>A on the coding strand, the complement: PLEC is on the minus strand). VCF-style: chr8-143922185-G-T. GRCh37 (hg19) VCF-style: chr8-144996353-G-T.
Other names: c.7717C>A, p.Gln2573Lys (NM_000445.5); c.4336C>A, p.Gln1446Lys (NM_001410941.1); c.7594C>A, p.Gln2532Lys (NM_201378.4); c.7570C>A, p.Gln2524Lys (NM_201379.3); c.8047C>A, p.Gln2683Lys (NM_201380.4); c.7540C>A, p.Gln2514Lys (NM_201381.3); c.7636C>A, p.Gln2546Lys (NM_201382.4); c.7648C>A, p.Gln2550Lys (NM_201383.3); short protein forms Q1446K, Q2524K, Q2546K, Q2683K, Q2514K, Q2532K, Q2550K, Q2573K.
Identifiers: ClinVar variation 2085340 (VCV002085340.4), dbSNP rs1554688741, ClinGen allele CA372523619.

ClinVar aggregate classification (germline): Uncertain significance (1 of 4 stars; one submission).

Conditions:
Epidermolysis bullosa simplex 5C, with pyloric atresia (EBS5C). Also called: PLEC-Related Epidermolysis Bullosa with Pyloric Atresia; Epidermolysis bullosa simplex with pyloric atresia; PLEC1-Related Epidermolysis Bullosa with Pyloric Atresia. Identifiers: Orphanet 158684, MedGen C2677349, MONDO:0012807, OMIM 612138.
Epidermolysis bullosa simplex with nail dystrophy (EBS5D). Identifiers: MedGen C4225309, MONDO:0014661, OMIM 616487.
Epidermolysis bullosa simplex 5B, with muscular dystrophy (EBS5B). Also called: EPIDERMOLYSIS BULLOSA SIMPLEX AND LIMB-GIRDLE MUSCULAR DYSTROPHY; Epidermolysis bullosa simplex with muscular dystrophy. Identifiers: Orphanet 257, MedGen C2931072, MONDO:0009181, OMIM 226670.
Epidermolysis bullosa simplex, Ogna type (EBS5A). Also called: Pidermolysis bullosa simplex 5A, Ogna type; EPIDERMOLYSIS BULLOSA SIMPLEX 5A, OGNA TYPE. Identifiers: Orphanet 79401, MedGen C0432317, MONDO:0007555, OMIM 131950.
Autosomal recessive limb-girdle muscular dystrophy type 2Q (LGMDR17). Also called: MUSCULAR DYSTROPHY, LIMB-GIRDLE, AUTOSOMAL RECESSIVE 17. Identifiers: Orphanet 254361, MedGen C3150989, MONDO:0013390, OMIM 613723.

gnomAD v4.1: 1 of 1,546,258 alleles (0.000065%); highest among the groups gnomAD compares: Non-Finnish European, 0.000087%; no homozygotes.

Submission:

Labcorp Genetics (formerly Invitae), Labcorp
Classification: Uncertain significance for Autosomal recessive limb-girdle muscular dystrophy type 2Q; Epidermolysis bullosa simplex, Ogna type; Epidermolysis bullosa simplex with nail dystrophy; Epidermolysis bullosa simplex 5C, with pyloric atresia; Epidermolysis bullosa simplex 5B, with muscular dystrophy. Last evaluated: 2022-05-07. Review status: criteria provided, single submitter. Criteria: Invitae Variant Classification Sherloc (09022015). Collection method: clinical testing. Allele origin: germline.
Comment: In summary, the available evidence is currently insufficient to determine the role of this variant in disease. Therefore, it has been classified as a Variant of Uncertain Significance. Algorithms developed to predict the effect of missense changes on protein structure and function (SIFT, PolyPhen-2, Align-GVGD) all suggest that this variant is likely to be tolerated. This variant has not been reported in the literature in individuals affected with PLEC-related conditions. This variant is not present in population databases (gnomAD no frequency). This sequence change replaces glutamine, which is neutral and polar, with lysine, which is basic and polar, at codon 2573 of the PLEC protein (p.Gln2573Lys).